The following is an entry in ClinVar:

ClinVar aggregate classification (germline): Uncertain significance (1 of 4 stars; one submission).

Conditions:
Neuropathy, hereditary sensory and autonomic, type 2A (HSAN2A). Also called: MORVAN DISEASE; NEUROPATHY, CONGENITAL SENSORY; NEUROPATHY, HEREDITARY SENSORY RADICULAR, AUTOSOMAL RECESSIVE; NEUROPATHY, HEREDITARY SENSORY, TYPE IIA; NEUROPATHY, PROGRESSIVE SENSORY, OF CHILDREN; ACROOSTEOLYSIS, GIACCAI TYPE. Identifiers: Orphanet 970, MedGen C2752089, MONDO:0024309, OMIM 201300.
Generalized epilepsy with febrile seizures plus, type 7 (GEFSP7). Also called: GEFS+, TYPE 7. Identifiers: Orphanet 36387, MedGen C2751778, MONDO:0013470, OMIM 613863.

Submission:

Labcorp Genetics (formerly Invitae), Labcorp
Classification: Uncertain significance for Neuropathy, hereditary sensory and autonomic, type 2A; Generalized epilepsy with febrile seizures plus, type 7. Last evaluated: 2024-06-25. Review status: criteria provided, single submitter. Criteria: Invitae Variant Classification Sherloc (09022015). Collection method: clinical testing. Allele origin: germline.
Comment: This sequence change replaces glycine, which is neutral and non-polar, with serine, which is neutral and polar, at codon 1334 of the SCN9A protein (p.Gly1334Ser). This variant is not present in population databases (gnomAD no frequency). This variant has not been reported in the literature in individuals affected with SCN9A-related conditions. Advanced modeling of protein sequence and biophysical properties (such as structural, functional, and spatial information, amino acid conservation, physicochemical variation, residue mobility, and thermodynamic stability) has been performed at Invitae for this missense variant, however the output from this modeling did not meet the statistical confidence thresholds required to predict the impact of this variant on SCN9A protein function. In summary, the available evidence is currently insufficient to determine the role of this variant in disease. Therefore, it has been classified as a Variant of Uncertain Significance.

NM_001365536.1(SCN9A):c.4033G>A (p.Gly1345Ser)

Genes: SCN9A (sodium voltage-gated channel alpha subunit 9; minus strand), SCN1A-AS1 (SCN1A and SCN9A antisense RNA 1; plus strand). Cytogenetic location: 2q24.3.
Variant type: single nucleotide variant.
Coding change: c.4033G>A on transcript NM_001365536.1 (MANE Select); coding-DNA position 4033, G replaced by A.
Protein change: p.Gly1345Ser; replaces glycine 1345 with serine.
Molecular consequence: missense variant.
Genome position (GRCh38, 1-based): chr2:166,228,864, C>T on the plus strand (G>A on the coding strand, the complement: SCN9A is on the minus strand). VCF-style: chr2-166228864-C-T. GRCh37 (hg19) VCF-style: chr2-167085374-C-T.
Other names: c.4000G>A, p.Gly1334Ser (NM_002977.4); short protein forms G1334S, G1345S.
Identifiers: ClinVar variation 3756443 (VCV003756443.2).
Genomic context (GRCh38, chr2:166,228,864, plus strand): 5'-GAACTTGACTTGCAGGAAACCGTGACCCATCTGTGGTGTTAATACACTCATAGAACTTGC[C>T]AGCAAACAAATTTACTCCCATGATGCTGAATATCAGCCAGAATATAAGACACACAAGTAG-3'
Protein context (NP_001352465.1, residues 1335-1355): FSIMGVNLFA[Gly1345Ser]KFYECINTTD